The following is an entry in ClinVar:

ClinVar aggregate classification (germline): Pathogenic (1 of 4 stars; one submission).

Submission:

Labcorp Genetics (formerly Invitae), Labcorp
Classification: Pathogenic. Last evaluated: 2022-11-15. Review status: criteria provided, single submitter. Criteria: Invitae Variant Classification Sherloc (09022015). Collection method: clinical testing. Allele origin: germline.
Comment: This variant is not present in population databases (gnomAD no frequency). This sequence change inserts a large fragment of DNA, likely a transposable element, in exon 5 of the RCBTB1 gene (c.377_378ins?), causing a frameshift at codon 126 (p.Leu126fs). The exact size and sequence of the insertion cannot be determined by the current assay. However, the insertion is expected to result in an absent or disrupted protein product. This variant has not been reported in the literature in individuals affected with RCBTB1-related conditions. For these reasons, this variant has been classified as Pathogenic. Retrotransposon insertions including LINE1 (L1), Alu, and SVA (SINE-VNTR-Alu) have been reported to be disease-causing through disruption of either a coding region or splice site (PMID: 19763152, 20307669, 22406018) and loss-of-function variants in RCBTB1 are known to be pathogenic (PMID: 31494449). Algorithms developed to predict the effect of sequence changes on RNA splicing suggest that this variant may disrupt the consensus splice site. ClinVar contains an entry for this variant (Variation ID: 1457323).

Literature cited by the submitters: PubMed 19763152; PubMed 20307669; PubMed 22406018; PubMed 31494449.

NM_018191.4(RCBTB1):c.377_378insTTTTTTTTTTTTTTTTTTTTNNNNNNNNNNGGTGTGGTAGTCTCGAGTTTGATAGGGTGACGCGAGAGGTAGTGGGAGACGGGAGAGGGAGAGGGAGACGGGAGAGGGAGAGGGAGCTGTACCAATCTCTT (p.Leu126delinsPhePhePhePhePhePhePheXaaXaaXaaXaaValTrpTer)

Gene: RCBTB1 (RCC1 and BTB domain containing protein 1; minus strand). Cytogenetic location: 13q14.2.
Variant type: Insertion.
Coding change: c.377_378insTTTTTTTTTTTTTTTTTTTTNNNNNNNNNNGGTGTGGTAGTCTCGAGTTTGATAGGGTGACGCGAGAGGTAGTGGGAGACGGGAGAGGGAGAGGGAGACGGGAGAGGGAGAGGGAGCTGTACCAATCTCTT on transcript NM_018191.4 (MANE Select); coding-DNA positions 377 to 378, TTTTTTTTTTTTTTTTTTTTNNNNNNNNNNGGTGTGGTAGTCTCGAGTTTGATAGGGTGACGCGAGAGGTAGTGGGAGACGGGAGAGGGAGAGGGAGACGGGAGAGGGAGAGGGAGCTGTACCAATCTCTT inserted.
Protein change: p.Leu126delinsPhePhePhePhePhePhePheXaaXaaXaaXaaValTrpTer.
Molecular consequence: nonsense. On other transcripts: 5 prime UTR variant (1), non-coding transcript variant (2).
Genome position: GRCh38: chr13:49,559,999-49,560,000. GRCh37 (hg19): chr13:50,134,135-50,134,136.
Other names: c.377_378insTTTTTTTTTTTTTTTTTTTTNNNNNNNNNNGGTGTGGTAGTCTCGAGTTTGATAGGGTGACGCGAGAGGTAGTGGGAGACGGGAGAGGGAGAGGGAGACGGGAGAGGGAGAGGGAGCTGTACCAATCTCTT, p.Leu126delinsPhePhePhePhePhePhePheXaaXaaXaaXaaValTrpTer (NM_001352500.2, NM_001352501.2, NM_001352502.2 and 3 more transcripts); c.-233_-232insTTTTTTTTTTTTTTTTTTTTNNNNNNNNNNGGTGTGGTAGTCTCGAGTTTGATAGGGTGACGCGAGAGGTAGTGGGAGACGGGAGAGGGAGAGGGAGACGGGAGAGGGAGAGGGAGCTGTACCAATCTCTT (NM_001352506.2).
Identifiers: ClinVar variation 1457323 (VCV001457323.6), dbSNP rs2139231902.